The following is an entry in ClinVar:

NM_007259.5(VPS45):c.1403C>T (p.Pro468Leu)

Gene: VPS45 (vacuolar protein sorting 45 homolog; plus strand). Cytogenetic location: 1q21.2.
Variant type: single nucleotide variant.
Coding change: c.1403C>T on transcript NM_007259.5 (MANE Select); coding-DNA position 1403, C replaced by T.
Protein change: p.Pro468Leu; replaces proline 468 with leucine.
Molecular consequence: missense variant. On other transcripts: non-coding transcript variant (1).
Genome position (GRCh38, 1-based): chr1:150,093,558, C>T. VCF-style: chr1-150093558-C-T. GRCh37 (hg19) VCF-style: chr1-150065654-C-T.
Other names: c.1088C>T, p.Pro363Leu (NM_001279353.2); c.1295C>T, p.Pro432Leu (NM_001279354.2); short protein forms P363L, P468L, P432L.
Identifiers: ClinVar variation 430321 (VCV000430321.2), dbSNP rs1131691903, ClinGen allele CA342257169.
Genomic context (GRCh38, chr1:150,093,558, plus strand): 5'-GACATAAGAACCATTTTCCCCTGTTTTAGGGAGTAGAAAATGTATATACACAGCATCAAC[C>T]TTTCCTACATGAAACCCTGGATCATCTCATCAAAGGAAGGCTTAAGGAAAACCTATATCC-3'
Protein context (NP_009190.2, residues 458-478): GVENVYTQHQ[Pro468Leu]FLHETLDHLI

ClinVar aggregate classification (germline): Likely pathogenic (1 of 4 stars; one submission).

Submission:

GeneDx
Classification: Likely pathogenic. Last evaluated: 2016-01-18. Review status: criteria provided, single submitter. Criteria: GeneDx Variant Classification (06012015). Collection method: clinical testing. Allele origin: germline. Affected: yes.
Comment: The P468L variant in the VPS45 gene has not been reported previously as a pathogenic variant, nor as a benign variant, to our knowledge. The P468L variant was not observed in approximately 6,500 individuals of European and African American ancestry in the NHLBI Exome Sequencing Project, indicating it is not a common benign variant in these populations. The P468L variant is a semi-conservative amino acid substitution, which may impact secondary protein structure as these residues differ in some properties. This substitution occurs at a position that is conserved across species. In silico analysis predicts this variant is probably damaging to the protein structure/function. The P468L variant is a strong candidate for a pathogenic variant, however the possibility it may be a rare benign variant cannot be excluded.